The following is an entry in ClinVar:

ClinVar aggregate classification (germline): Likely benign (0 of 4 stars; one submission).

Conditions:
SEMA3G-related disorder. Also called: SEMA3G-related condition.

Allele frequency attached by ClinVar (database versions not stated): gnomAD exomes 0.00006; 1000 Genomes Project 0.00020; ExAC 0.00021; 1000 Genomes Project 30x 0.00031; gnomAD 0.00068; TOPMed 0.00071; ESP Exome Variant Server 0.00077.

Submission:

PreventionGenetics, part of Exact Sciences
Classification: Likely benign for SEMA3G-related condition. Last evaluated: 2021-12-01. Review status: no assertion criteria provided. Collection method: clinical testing. Allele origin: germline.
Comment: This variant is classified as likely benign based on ACMG/AMP sequence variant interpretation guidelines (Richards et al. 2015 PMID: 25741868, with internal and published modifications).

NM_020163.3(SEMA3G):c.1485C>T (p.Thr495=)

Gene: SEMA3G (semaphorin 3G; minus strand). Cytogenetic location: 3p21.1.
Variant type: single nucleotide variant.
Coding change: c.1485C>T on transcript NM_020163.3 (MANE Select); coding-DNA position 1485, C replaced by T.
Protein change: p.Thr495=; no amino-acid change (threonine 495 retained).
Molecular consequence: synonymous variant.
Genome position (GRCh38, 1-based): chr3:52,438,944, G>A on the plus strand (C>T on the coding strand, the complement: SEMA3G is on the minus strand). VCF-style: chr3-52438944-G-A. GRCh37 (hg19) VCF-style: chr3-52472960-G-A.
Identifiers: ClinVar variation 3040152 (VCV003040152.2), dbSNP rs142516678, ClinGen allele CA2437914.